The following is an entry in ClinVar:

ClinVar aggregate classification (germline): Uncertain significance (1 of 4 stars; one submission).

Allele frequency attached by ClinVar (database versions not stated): gnomAD exomes below 0.00001.
gnomAD v4.1: 2 of 1,612,992 alleles (0.00012%); highest among the groups gnomAD compares: South Asian, 0.0011%; no homozygotes.

Submission:

Ambry Genetics
Classification: Uncertain significance. Last evaluated: 2023-06-24. Review status: criteria provided, single submitter. Criteria: Ambry Variant Classification Scheme 2023. Collection method: clinical testing. Allele origin: germline.
Comment: The p.L534F variant (also known as c.1600C>T), located in coding exon 15 of the PRKDC gene, results from a C to T substitution at nucleotide position 1600. The leucine at codon 534 is replaced by phenylalanine, an amino acid with highly similar properties. This amino acid position is conserved. In addition, the in silico prediction for this alteration is inconclusive. Since supporting evidence is limited at this time, the clinical significance of this alteration remains unclear.

NM_006904.7(PRKDC):c.1600C>T (p.Leu534Phe)

Gene: PRKDC (protein kinase, DNA-activated, catalytic subunit; minus strand). Cytogenetic location: 8q11.21.
Variant type: single nucleotide variant.
Coding change: c.1600C>T on transcript NM_006904.7 (MANE Select); coding-DNA position 1600, C replaced by T.
Protein change: p.Leu534Phe; replaces leucine 534 with phenylalanine.
Molecular consequence: missense variant.
Genome position (GRCh38, 1-based): chr8:47,933,988, G>A on the plus strand (C>T on the coding strand, the complement: PRKDC is on the minus strand). VCF-style: chr8-47933988-G-A. GRCh37 (hg19) VCF-style: chr8-48846548-G-A.
Other names: c.1600C>T, p.Leu534Phe (NM_001081640.2); short protein forms L534F.
Identifiers: ClinVar variation 2624589 (VCV002624589.2), dbSNP rs2551879180, ClinGen allele CA371165296.